The following is an entry in ClinVar:

ClinVar aggregate classification (germline): Pathogenic/Likely pathogenic. Review status: criteria provided, multiple submitters, no conflicts (2 of 4 stars). 7 submissions from 6 submitters: Pathogenic (1); Likely pathogenic (6). Last evaluated 2026-04-23.

Conditions:
Autosomal recessive polycystic kidney disease (ARPKD). Also called: AR polycystic kidney disease. Identifiers: Orphanet 731, Orphanet 8378, MedGen C0085548, MeSH D017044, MONDO:0009889.
Polycystic kidney disease 4 (PKD4). Also called: PKD3; POLYCYSTIC KIDNEY DISEASE 4 WITH OR WITHOUT POLYCYSTIC LIVER DISEASE; POLYCYSTIC KIDNEY AND HEPATIC DISEASE 1; POLYCYSTIC KIDNEY DISEASE, INFANTILE, TYPE I; Autosomal Recessive Polycystic Kidney Disease – PKHD1. Identifiers: MedGen C4540575, MONDO:0033004, OMIM 263200.

Allele frequency attached by ClinVar (database versions not stated): ExAC 0.00002; TOPMed 0.00002; gnomAD 0.00003.
gnomAD v4.1: 4 of 1,613,572 alleles (0.00025%); highest among the groups gnomAD compares: East Asian, 0.0045%; no homozygotes.

Submissions (7):

Myriad Genetics, Inc.
Classification: Likely pathogenic for Polycystic kidney disease 4. Last evaluated: 2026-04-23. Review status: criteria provided, single submitter. Criteria: Myriad Autosomal Dominant, Autosomal Recessive and X-Linked Classification Criteria (2023). Collection method: clinical testing. Allele origin: unknown.
Comment: NM_138694.3(PKHD1):c.11611T>C(W3871R) is a missense variant classified as likely pathogenic in the context of autosomal recessive polycystic kidney disease, PKHD1-related. W3871R has been observed in cases with relevant disease (PMID: 15805161, 27491411, 32384486, 34536170, 26260382). Relevant functional assessments of this variant are not available in the literature. W3871R has been observed in referenced population frequency databases. In summary, NM_138694.3(PKHD1):c.11611T>C(W3871R) is a missense variant that has been observed more frequently in cases with the relevant disease than in healthy populations. Please note: this variant was assessed in the context of healthy population screening.

Natera, Inc.
Classification: Likely pathogenic for Autosomal recessive polycystic kidney disease. Last evaluated: 2025-11-05. Review status: criteria provided, single submitter. Criteria: Natera Variant Classification Schema (03/2026). Collection method: clinical testing. Allele origin: germline.
Comment: The c.11611T>C variant in PKHD1 is a missense variant predicted to cause substitution of tryptophan to arginine at amino acid 3871. This variant is rare in the general population with a frequency below the threshold expected for the associated phenotype(s). This variant has been observed in one or more individuals affected with the associated recessive disease, as either homozygous or compound heterozygous with a second variant (PMID: 15805161, 34536170). Additionally, this variant has been observed to segregate in affected family members (PMID: 34536170). Given the available evidence, this variant is classified as Likely Pathogenic.

3billion
Classification: Likely pathogenic for Polycystic kidney disease 4. Last evaluated: 2025-08-30. Review status: criteria provided, single submitter. Criteria: ACMG Guidelines, 2015. Collection method: clinical testing. Allele origin: germline. Affected: yes.
Comment: The variant is observed at an extremely low frequency in the gnomAD v4.1.0 dataset (total allele frequency: <0.001%). Predicted Consequence/Location: Missense variant. The majority of the known disease-causing variants of this gene are variants expected to result in premature termination of the protein. In silico tool predictions suggest damaging effect of the variant on gene or gene product [REVEL: 0.81 (>=0.6, sensitivity 0.68 and specificity 0.92)]. The same nucleotide change resulting in the same amino acid change has been previously reported as pathogenic/likely pathogenic with strong evidence (ClinVar ID: VCV000813370 /PMID: 15805161 /3billion dataset). Therefore, this variant is classified as Likely pathogenic according to the recommendation of ACMG/AMP guideline.

Fulgent Genetics
Classification: Likely pathogenic for Polycystic kidney disease 4. Last evaluated: 2024-03-17. Review status: criteria provided, single submitter. Criteria: ACMG Guidelines, 2015. Collection method: clinical testing. Allele origin: germline.

Baylor Genetics
Classification: Likely pathogenic for Polycystic kidney disease 4. Last evaluated: 2024-03-04. Review status: criteria provided, single submitter. Criteria: ACMG Guidelines, 2015. Collection method: clinical testing. Allele origin: unknown.

Labcorp Genetics (formerly Invitae), Labcorp
Classification: Pathogenic for Autosomal recessive polycystic kidney disease. Last evaluated: 2024-02-06. Review status: criteria provided, single submitter. Criteria: Invitae Variant Classification Sherloc (09022015). Collection method: clinical testing. Allele origin: germline.
Comment: This sequence change replaces tryptophan, which is neutral and slightly polar, with arginine, which is basic and polar, at codon 3871 of the PKHD1 protein (p.Trp3871Arg). This variant is present in population databases (rs754626014, gnomAD 0.01%). This missense change has been observed in individual(s) with clinical features of polycystic kidney disease (PMID: 15805161, 27491411, 32384486, 34536170). In at least one individual the data is consistent with being in trans (on the opposite chromosome) from a pathogenic variant. It has also been observed to segregate with disease in related individuals. ClinVar contains an entry for this variant (Variation ID: 813370). Advanced modeling of protein sequence and biophysical properties (such as structural, functional, and spatial information, amino acid conservation, physicochemical variation, residue mobility, and thermodynamic stability) has been performed at Invitae for this missense variant, however the output from this modeling did not meet the statistical confidence thresholds required to predict the impact of this variant on PKHD1 protein function. For these reasons, this variant has been classified as Pathogenic.

Baylor Genetics
Classification: Likely pathogenic for Polycystic kidney disease 4. Review status: criteria provided, single submitter. Criteria: ACMG Guidelines, 2015. Collection method: clinical testing. Allele origin: germline.

Literature cited by the submitters: PubMed 15805161 (cited by 4 submitters); PubMed 26260382 (cited by Myriad Genetics, Inc.); PubMed 27491411 (cited by Myriad Genetics, Inc. and Labcorp Genetics (formerly Invitae), Labcorp); PubMed 32384486 (cited by Myriad Genetics, Inc. and Labcorp Genetics (formerly Invitae), Labcorp); PubMed 34536170 (cited by 3 submitters).

NM_138694.4(PKHD1):c.11611T>C (p.Trp3871Arg)

Gene: PKHD1 (PKHD1 ciliary IPT domain containing fibrocystin/polyductin; minus strand). Cytogenetic location: 6p12.3.
Variant type: single nucleotide variant.
Coding change: c.11611T>C on transcript NM_138694.4 (MANE Select); coding-DNA position 11611, T replaced by C.
Protein change: p.Trp3871Arg; replaces tryptophan 3871 with arginine.
Molecular consequence: missense variant.
Genome position (GRCh38, 1-based): chr6:51,632,619, A>G on the plus strand (T>C on the coding strand, the complement: PKHD1 is on the minus strand). VCF-style: chr6-51632619-A-G. GRCh37 (hg19) VCF-style: chr6-51497417-A-G.
Other names: c.11611T>C (NM_138694.3); short protein forms W3871R.
Identifiers: ClinVar variation 813370 (VCV000813370.16), dbSNP rs754626014, ClinGen allele CA3850778.